The following is an entry in ClinVar:

NM_000321.3(RB1):c.1694C>T (p.Ser565Leu)

Gene: RB1 (RB transcriptional corepressor 1; plus strand). Cytogenetic location: 13q14.2.
Variant type: single nucleotide variant.
Coding change: c.1694C>T on transcript NM_000321.3 (MANE Select); coding-DNA position 1694, C replaced by T.
Protein change: p.Ser565Leu; replaces serine 565 with leucine.
Molecular consequence: missense variant.
Genome position (GRCh38, 1-based): chr13:48,381,442, C>T. VCF-style: chr13-48381442-C-T. GRCh37 (hg19) VCF-style: chr13-48955578-C-T.
Other names: c.1694C>T, p.Ser565Leu (NM_001407165.1, NM_001407166.1); short protein forms S565L.
Identifiers: ClinVar variation 3237018 (VCV003237018.1), dbSNP rs2138145845.
Genomic context (GRCh38, chr13:48,381,442, plus strand): 5'-AAATGATAAAACATTTAGAACGATGTGAACATCGAATCATGGAATCCCTTGCATGGCTCT[C>T]AGTAAGTAGCTAAATAATTGAAGAAATTCATTCATGTGCATATGGCTAACAAATTATTGT-3'
Protein context (NP_000312.2, residues 555-575): HRIMESLAWL[Ser565Leu]DSPLFDLIKQ

ClinVar aggregate classification (germline): Uncertain significance (1 of 4 stars; one submission).

Conditions:
Retinoblastoma (RB1). Also called: RETINOBLASTOMA, SOMATIC. Identifiers: Orphanet 790, MedGen C0035335, MeSH D012175, MONDO:0008380, OMIM 180200, HP:0009919. Disease mechanism: loss of function. Inheritance: Both sporadic and heritable forms are tested..

Submission:

Genetic Diagnostic Laboratory, University of Pennsylvania School of Medicine
Classification: Uncertain significance for Retinoblastoma. Last evaluated: 2024-05-20. Review status: criteria provided, single submitter. Criteria: ACMG Guidelines, 2015. Collection method: clinical testing. Allele origin: germline. Affected: yes. Observed: 1 variant allele.
Comment: Case and Pedigree Information: BILATERAL CASES:1, UNILATERAL CASES:0, TOTAL CASES:1, PEDIGREES:1. ACMG Codes Applied:PVS1, PM1, PM2, PP3